The following is an entry in ClinVar:

NM_002336.3(LRP6):c.4231A>T (p.Asn1411Tyr)

Gene: LRP6 (LDL receptor related protein 6; minus strand). Cytogenetic location: 12p13.2.
Variant type: single nucleotide variant.
Coding change: c.4231A>T on transcript NM_002336.3 (MANE Select); coding-DNA position 4231, A replaced by T.
Protein change: p.Asn1411Tyr; replaces asparagine 1411 with tyrosine.
Molecular consequence: missense variant. On other transcripts: non-coding transcript variant (1).
Genome position (GRCh38, 1-based): chr12:12,126,772, T>A on the plus strand (A>T on the coding strand, the complement: LRP6 is on the minus strand). VCF-style: chr12-12126772-T-A. GRCh37 (hg19) VCF-style: chr12-12279706-T-A.
Other names: c.3868A>T, p.Asn1290Tyr (NM_001414251.1); c.3778A>T, p.Asn1260Tyr (NM_001414252.1, NM_001414253.1, NM_001414254.1); c.3724A>T, p.Asn1242Tyr (NM_001414255.1); c.4231A>T (NM_002336.2); c.4324A>T, p.Asn1442Tyr (NM_001414244.1); c.4231A>T, p.Asn1411Tyr (NM_001414245.1, NM_001414248.1, NM_001414249.1 and 1 more transcripts); c.4096A>T, p.Asn1366Tyr (NM_001414246.1); c.4033A>T, p.Asn1345Tyr (NM_001414247.1); short protein forms N1366Y, N1242Y, N1411Y, N1290Y, N1345Y, N1260Y, N1442Y.
Identifiers: ClinVar variation 2976307 (VCV002976307.4), dbSNP rs1949677419, ClinGen allele CA383948924.
Genomic context (GRCh38, chr12:12,126,772, plus strand): 5'-AACTTGGGTGTGGCACATAACCAAGAGGCACAGAAGCTGGTCCATGAACTACATAGTCAT[T>A]AGTCATAGTTTCCCCATCTCCCTTCATACGTGGACACAACATCCTCTGGCAGATAAAGTA-3'
Protein context (NP_002327.2, residues 1401-1421): RMKGDGETMT[Asn1411Tyr]DYVVHGPASV

ClinVar aggregate classification (germline): Uncertain significance. Review status: criteria provided, multiple submitters, no conflicts (2 of 4 stars). 2 submissions from 2 submitters: Uncertain significance (2). Last evaluated 2025-08-01.

Conditions:
Inborn genetic diseases. Identifiers: MedGen C0950123, MeSH D030342.

Submissions (2):

Ambry Genetics
Classification: Uncertain significance for Inborn genetic diseases. Last evaluated: 2025-08-01. Review status: criteria provided, single submitter. Criteria: Ambry Variant Classification Scheme 2023. Collection method: clinical testing. Allele origin: germline.

Labcorp Genetics (formerly Invitae), Labcorp
Classification: Uncertain significance. Last evaluated: 2023-06-04. Review status: criteria provided, single submitter. Criteria: Invitae Variant Classification Sherloc (09022015). Collection method: clinical testing. Allele origin: germline.
Comment: Advanced modeling of protein sequence and biophysical properties (such as structural, functional, and spatial information, amino acid conservation, physicochemical variation, residue mobility, and thermodynamic stability) performed at Invitae indicates that this missense variant is not expected to disrupt LRP6 protein function. In summary, the available evidence is currently insufficient to determine the role of this variant in disease. Therefore, it has been classified as a Variant of Uncertain Significance. This variant has not been reported in the literature in individuals affected with LRP6-related conditions. This variant is not present in population databases (gnomAD no frequency). This sequence change replaces asparagine, which is neutral and polar, with tyrosine, which is neutral and polar, at codon 1411 of the LRP6 protein (p.Asn1411Tyr).